The following is an entry in ClinVar:

ClinVar aggregate classification (germline): Pathogenic (1 of 4 stars; one submission).

Conditions:
Primary ciliary dyskinesia 3. Identifiers: Orphanet 244, MedGen C1837618, MONDO:0012085, OMIM 608644.

Submission:

Myriad Genetics, Inc.
Classification: Pathogenic for Primary ciliary dyskinesia 3. Last evaluated: 2024-05-14. Review status: criteria provided, single submitter. Criteria: Myriad Autosomal Dominant, Autosomal Recessive and X-Linked Classification Criteria (2023). Collection method: clinical testing. Allele origin: unknown.
Comment: NM_001369.2(DNAH5):c.8834_8835del2ins13(I2945Tfs*25) is expected to be pathogenic in the context of primary ciliary dyskinesia, DNAH5-related. This variant is predicted to lead to an abnormal or absent protein product due to the creation of a premature termination codon in DNAH5, a gene where loss-of-function variants are known to be pathogenic. Please note: this variant was assessed in the context of healthy population screening.

NM_001369.3(DNAH5):c.8834_8835delinsCTCAGCAGCACGA (p.Ile2945fs)

Gene: DNAH5 (dynein axonemal heavy chain 5; minus strand). Cytogenetic location: 5p15.2.
Variant type: Indel.
Coding change: c.8834_8835delinsCTCAGCAGCACGA on transcript NM_001369.3 (MANE Select); coding-DNA positions 8834 to 8835, TT replaced by CTCAGCAGCACGA.
Protein change: p.Ile2945fs; shifts the reading frame from isoleucine 2945.
Molecular consequence: frameshift variant.
Genome position (GRCh38, 1-based): chr5:13,780,945-13,780,946, AA replaced by TCGTGCTGCTGAG on the plus strand (TT replaced by CTCAGCAGCACGA on the coding strand, the reverse complement: DNAH5 is on the minus strand). VCF-style: chr5-13780945-AA-TCGTGCTGCTGAG. GRCh37 (hg19) VCF-style: chr5-13781054-AA-TCGTGCTGCTGAG.
Other names: short protein forms I2945fs.
Identifiers: ClinVar variation 5016413 (VCV005016413.1).
Genomic context (GRCh38, chr5:13,780,945, plus strand): 5'-CAGGCTCTGCTTTCCTGATCCGCCCACCCCGACCAGGAGGGCATTTCCCTGAGGAGTACG[AA>TCGTGCTGCTGAG]TGACACGAGAGATCTGTAATATGGAACAGAAAAAGTATGTATCTTTCAACATGTAAATGT-3'